The following is an entry in ClinVar:

ClinVar aggregate classification (germline): Uncertain significance. Review status: criteria provided, single submitter (1 of 4 stars). 2 submissions from 2 submitters: Uncertain significance (1). 1 of the submissions does not count toward it. Last evaluated 2023-09-12.

Conditions:
Zellweger spectrum disorders (ZS). Also called: Zellweger Spectrum Disorder (ZSD); Zellweger syndrome; Zellweger Spectrum Disorder; Zellweger Spectrum. Identifiers: Orphanet 912, MedGen C0043459, MONDO:0019609.

Allele frequency attached by ClinVar (database versions not stated): TOPMed below 0.00001; gnomAD 0.00001.
gnomAD v4.1: 1 of 1,613,884 alleles (0.000062%); highest among the groups gnomAD compares: Admixed American, 0.0017%; no homozygotes.

Submissions (2):

Labcorp Genetics (formerly Invitae), Labcorp
Classification: Uncertain significance for Zellweger spectrum disorders. Last evaluated: 2023-09-12. Review status: criteria provided, single submitter. Criteria: Invitae Variant Classification Sherloc (09022015). Collection method: clinical testing. Allele origin: germline.
Comment: This sequence change replaces threonine, which is neutral and polar, with proline, which is neutral and non-polar, at codon 983 of the PEX1 protein (p.Thr983Pro). This variant is not present in population databases (gnomAD no frequency). This variant has not been reported in the literature in individuals affected with PEX1-related conditions. ClinVar contains an entry for this variant (Variation ID: 1469377). Advanced modeling of protein sequence and biophysical properties (such as structural, functional, and spatial information, amino acid conservation, physicochemical variation, residue mobility, and thermodynamic stability) performed at Invitae indicates that this missense variant is expected to disrupt PEX1 protein function. In summary, the available evidence is currently insufficient to determine the role of this variant in disease. Therefore, it has been classified as a Variant of Uncertain Significance.

Natera, Inc.
Classification: Uncertain significance for Zellweger syndrome. Last evaluated: 2025-05-09. Review status: no assertion criteria provided. Collection method: clinical testing. Allele origin: germline. Not counted in ClinVar's aggregate classification.

NM_000466.3(PEX1):c.2947A>C (p.Thr983Pro)

Genes: PEX1 (peroxisomal biogenesis factor 1; minus strand), GATAD1 (GATA zinc finger domain containing 1; plus strand). Cytogenetic location: 7q21.2.
Variant type: single nucleotide variant.
Coding change: c.2947A>C on transcript NM_000466.3 (MANE Select); coding-DNA position 2947, A replaced by C.
Protein change: p.Thr983Pro; replaces threonine 983 with proline.
Molecular consequence: missense variant.
Genome position (GRCh38, 1-based): chr7:92,494,376, T>G on the plus strand (A>C on the coding strand, the complement: PEX1 is on the minus strand). VCF-style: chr7-92494376-T-G. GRCh37 (hg19) VCF-style: chr7-92123690-T-G.
Other names: c.2776A>C, p.Thr926Pro (NM_001282677.2); c.2323A>C, p.Thr775Pro (NM_001282678.2); c.2947A>C (NM_000466.2); short protein forms T775P, T926P, T983P.
Identifiers: ClinVar variation 1469377 (VCV001469377.7), dbSNP rs1791533248, ClinGen allele CA368167754.